The following is an entry in ClinVar:

NM_000051.4(ATM):c.8632A>C (p.Ile2878Leu)

Genes: ATM (ATM serine/threonine kinase; plus strand), C11orf65 (chromosome 11 open reading frame 65; minus strand). Cytogenetic location: 11q22.3.
Variant type: single nucleotide variant.
Coding change: c.8632A>C on transcript NM_000051.4 (MANE Select); coding-DNA position 8632, A replaced by C.
Protein change: p.Ile2878Leu; replaces isoleucine 2878 with leucine.
Molecular consequence: missense variant. On other transcripts: intron variant (2).
Genome position (GRCh38, 1-based): chr11:108,347,326, A>C. VCF-style: chr11-108347326-A-C. GRCh37 (hg19) VCF-style: chr11-108218053-A-C.
Other names: c.8632A>C, p.Ile2878Leu (NM_001351834.2); c.641-38255T>G (NM_001330368.2); c.695-12034T>G (NM_001351110.2); short protein forms I2878L.
Identifiers: ClinVar variation 822616 (VCV000822616.52), dbSNP rs1591274185, ClinGen allele CA382520859.
Genomic context (GRCh38, chr11:108,347,326, plus strand): 5'-CTTTTTTCTCCAGTTGGTTACATACTTGGACTTGGTGATAGACATGTACAGAATATCTTG[A>C]TAAATGAGCAGTCAGCAGAACTTGTACATATAGATCTAGGTAAGTAATAAAATCTATGTA-3'
Protein context (NP_000042.3, residues 2868-2888): LGDRHVQNIL[Ile2878Leu]NEQSAELVHI

ClinVar aggregate classification (germline): Uncertain significance. Review status: criteria provided, multiple submitters, no conflicts (2 of 4 stars). 2 submissions from 2 submitters: Uncertain significance (2). Last evaluated 2024-07-15.

Conditions:
Hereditary cancer-predisposing syndrome. Also called: Tumor predisposition; Neoplastic Syndromes, Hereditary; Hereditary Cancer Syndrome; Hereditary neoplastic syndrome. Identifiers: Orphanet 140162, MedGen C0027672, MeSH D009386, MONDO:0015356.
Ataxia-telangiectasia syndrome (AT). Also called: ATAXIA-TELANGIECTASIA, COMPLEMENTATION GROUP A; ATAXIA-TELANGIECTASIA, FRESNO VARIANT; Ataxia-telangiectasia; Ataxia-telangiectasia, complementation group D; AT, COMPLEMENTATION GROUP C; Ataxia-telangiectasia, complementation group E. Identifiers: Orphanet 100, MedGen C0004135, MONDO:0008840, OMIM 208900.

Submissions (2):

Labcorp Genetics (formerly Invitae), Labcorp
Classification: Uncertain significance for Ataxia-telangiectasia syndrome. Last evaluated: 2024-07-15. Review status: criteria provided, single submitter. Criteria: Invitae Variant Classification Sherloc (09022015). Collection method: clinical testing. Allele origin: germline.
Comment: This sequence change replaces isoleucine, which is neutral and non-polar, with leucine, which is neutral and non-polar, at codon 2878 of the ATM protein (p.Ile2878Leu). This variant is not present in population databases (gnomAD no frequency). This variant has not been reported in the literature in individuals affected with ATM-related conditions. ClinVar contains an entry for this variant (Variation ID: 822616). An algorithm developed to predict the effect of missense changes on protein structure and function (PolyPhen-2) suggests that this variant is likely to be disruptive. In summary, the available evidence is currently insufficient to determine the role of this variant in disease. Therefore, it has been classified as a Variant of Uncertain Significance.

Ambry Genetics
Classification: Uncertain significance for Hereditary cancer-predisposing syndrome. Last evaluated: 2019-09-30. Review status: criteria provided, single submitter. Criteria: Ambry Variant Classification Scheme 2023. Collection method: clinical testing. Allele origin: germline.
Comment: The p.I2878L variant (also known as c.8632A>C), located in coding exon 58 of the ATM gene, results from an A to C substitution at nucleotide position 8632. The isoleucine at codon 2878 is replaced by leucine, an amino acid with highly similar properties. This amino acid position is highly conserved in available vertebrate species. In addition, the in silico prediction for this alteration is inconclusive. Since supporting evidence is limited at this time, the clinical significance of this alteration remains unclear.